The following is an entry in ClinVar:

NM_003036.4(SKI):c.969+7G>A

Gene: SKI (SKI proto-oncogene; plus strand). Cytogenetic location: 1p36.33.
Variant type: single nucleotide variant.
Coding change: c.969+7G>A on transcript NM_003036.4 (MANE Select); 7 bases into the intron after coding-DNA position 969, G replaced by A.
Molecular consequence: intron variant.
Genome position (GRCh38, 1-based): chr1:2,229,742, G>A. VCF-style: chr1-2229742-G-A. GRCh37 (hg19) VCF-style: chr1-2161181-G-A.
Identifiers: ClinVar variation 4881760 (VCV004881760.2).

ClinVar aggregate classification (germline): Uncertain significance (1 of 4 stars; one submission).

Submission:

Dasa
Classification: Uncertain significance. Last evaluated: 2025-08-28. Review status: criteria provided, single submitter. Criteria: DASA Assertion Criteria. Collection method: clinical testing. Allele origin: germline.
Comment: NM_003036.4(SKI):c.969+7G>A is a splice-region variant. This variant is absent from population databases. Computational prediction algorithms are consistent with a benign effect. The currently available literature and clinical evidence are not sufficient to establish a definitive association between this variant and the reported condition. Therefore, this variant is classified as a variant of uncertain significance.